The following is an entry in ClinVar:

ClinVar aggregate classification (germline): Uncertain significance (1 of 4 stars; one submission).

Conditions:
Hereditary cancer-predisposing syndrome. Also called: Hereditary neoplastic syndrome; Neoplastic Syndromes, Hereditary; Tumor predisposition; Hereditary Cancer Syndrome. Identifiers: Orphanet 140162, MedGen C0027672, MeSH D009386, MONDO:0015356.

Submission:

Ambry Genetics
Classification: Uncertain significance for Hereditary cancer-predisposing syndrome. Last evaluated: 2025-08-27. Review status: criteria provided, single submitter. Criteria: Ambry Variant Classification Scheme 2023. Collection method: clinical testing. Allele origin: germline.
Comment: The p.N147H variant (also known as c.439A>C), located in coding exon 5 of the MUTYH gene, results from an A to C substitution at nucleotide position 439. The asparagine at codon 147 is replaced by histidine, an amino acid with similar properties. This amino acid position is conserved. In addition, this alteration is predicted to be tolerated by in silico analysis. Based on the available evidence, the clinical significance of this variant remains unclear.

NM_001048174.2(MUTYH):c.355A>C (p.Asn119His)

Gene: MUTYH (mutY DNA glycosylase; minus strand). Cytogenetic location: 1p34.1.
Variant type: single nucleotide variant.
Coding change: c.355A>C on transcript NM_001048174.2 (MANE Select); coding-DNA position 355, A replaced by C.
Protein change: p.Asn119His; replaces asparagine 119 with histidine.
Molecular consequence: missense variant. On other transcripts: intron variant (3), non-coding transcript variant (6).
Genome position (GRCh38, 1-based): chr1:45,333,120, T>G on the plus strand (A>C on the coding strand, the complement: MUTYH is on the minus strand). VCF-style: chr1-45333120-T-G. GRCh37 (hg19) VCF-style: chr1-45798792-T-G.
Other names: c.355A>C, p.Asn119His (NM_001048171.2, NM_001048173.2, NM_001293195.2 and 6 more transcripts); c.358A>C, p.Asn120His (NM_001048172.2, NM_001407071.1, NM_001407078.1 and 2 more transcripts); c.439A>C, p.Asn147His (NM_001128425.2); c.400A>C, p.Asn134His (NM_001293190.2); c.388A>C, p.Asn130His (NM_001293191.2, NM_001407077.1); c.79A>C, p.Asn27His (NM_001293192.2, NM_001293196.2, NM_001407091.1); c.430A>C, p.Asn144His (NM_001407069.1, NM_012222.3); c.397A>C, p.Asn133His (NM_001407073.1, NM_001407083.1, NM_001407085.1); and 3 more; short protein forms N147H, N130H, N133H, N27H, N91H, N120H, N126H, N144H.
Identifiers: ClinVar variation 4113660 (VCV004113660.1).
Genomic context (GRCh38, chr1:45,333,120, plus strand): 5'-CTGACCCATGACCCTTCCCTTCCTCCCCTGGAGTCACCTGCATCCATCCGGTATAGTAGT[T>G]GATCACAGTGGCAACCTGGGTCTGCTGCAGCATGACCTCTGAGACCCACACTGGGGGAAA-3'
Protein context (NP_001041639.1, residues 109-129): LQQTQVATVI[Asn119His]YYTGWMQKWP